The following is an entry in ClinVar:

NM_001148.6(ANK2):c.1627G>T (p.Val543Leu)

Gene: ANK2 (ankyrin 2; plus strand). Cytogenetic location: 4q26.
Variant type: single nucleotide variant.
Coding change: c.1627G>T on transcript NM_001148.6 (MANE Select); coding-DNA position 1627, G replaced by T.
Protein change: p.Val543Leu; replaces valine 543 with leucine.
Molecular consequence: missense variant.
Genome position (GRCh38, 1-based): chr4:113,274,593, G>T. VCF-style: chr4-113274593-G-T. GRCh37 (hg19) VCF-style: chr4-114195749-G-T.
Other names: c.1564G>T, p.Val522Leu (NM_001127493.3, NM_001354239.2, NM_001354243.2 and 14 more transcripts); c.1627G>T, p.Val543Leu (NM_001354225.2, NM_001354228.2, NM_001354232.2 and 8 more transcripts); c.1672G>T, p.Val558Leu (NM_001354230.2, NM_001354231.2, NM_001354237.2 and 5 more transcripts); c.1540G>T, p.Val514Leu (NM_001354249.2, NM_001354264.2, NM_001354266.2 and 13 more transcripts); c.1417G>T, p.Val473Leu (NM_001354269.3); c.1615G>T, p.Val539Leu (NM_001386148.2, NM_001386186.2); c.1342G>T, p.Val448Leu (NM_001386157.1, NM_001386158.1, NM_001354277.2); c.1585G>T, p.Val529Leu (NM_001386160.1, NM_001354261.2, NM_001386147.1); and 4 more; short protein forms V448L, V473L, V477L, V514L, V522L, V529L, V531L, V539L.
Identifiers: ClinVar variation 3220961 (VCV003220961.4), dbSNP rs749734339, ClinGen allele CA357907784.

ClinVar aggregate classification (germline): Uncertain significance. Review status: criteria provided, multiple submitters, no conflicts (2 of 4 stars). 3 submissions from 3 submitters: Uncertain significance (3). Last evaluated 2025-07-13.

Conditions:
Cardiovascular phenotype. Identifiers: MedGen CN230736.
Long QT syndrome (LQTS). Identifiers: MedGen C0023976, MeSH D008133, MONDO:0002442. Disease mechanism: loss of function. Inheritance: Various modes of inheritance.

gnomAD v4.1: 3 of 1,614,226 alleles (0.00019%); highest among the groups gnomAD compares: Admixed American, 0.0017%; no homozygotes.

Submissions (3):

GeneDx
Classification: Uncertain significance. Last evaluated: 2025-07-13. Review status: criteria provided, single submitter. Criteria: GeneDx Variant Classification Process June 2021. Collection method: clinical testing. Allele origin: germline. Affected: yes.
Comment: Has not been previously published as pathogenic or benign to our knowledge; Not observed at significant frequency in large population cohorts (gnomAD); In silico analysis suggests that this missense variant does not alter protein structure/function

Labcorp Genetics (formerly Invitae), Labcorp
Classification: Uncertain significance for Long QT syndrome. Last evaluated: 2024-04-04. Review status: criteria provided, single submitter. Criteria: Invitae Variant Classification Sherloc (09022015). Collection method: clinical testing. Allele origin: germline.
Comment: This sequence change replaces valine, which is neutral and non-polar, with leucine, which is neutral and non-polar, at codon 543 of the ANK2 protein (p.Val543Leu). This variant is present in population databases (no rsID available, gnomAD 0.0009%). This variant has not been reported in the literature in individuals affected with ANK2-related conditions. Advanced modeling of protein sequence and biophysical properties (such as structural, functional, and spatial information, amino acid conservation, physicochemical variation, residue mobility, and thermodynamic stability) performed at Invitae indicates that this missense variant is not expected to disrupt ANK2 protein function with a negative predictive value of 80%. In summary, the available evidence is currently insufficient to determine the role of this variant in disease. Therefore, it has been classified as a Variant of Uncertain Significance.

Ambry Genetics
Classification: Uncertain significance for Cardiovascular phenotype. Last evaluated: 2024-03-01. Review status: criteria provided, single submitter. Criteria: Ambry Variant Classification Scheme 2023. Collection method: clinical testing. Allele origin: germline.
Comment: The p.V543L variant (also known as c.1627G>T), located in coding exon 15 of the ANK2 gene, results from a G to T substitution at nucleotide position 1627. The valine at codon 543 is replaced by leucine, an amino acid with highly similar properties. This amino acid position is conserved. In addition, this alteration is predicted to be tolerated by in silico analysis. Based on the available evidence, the clinical significance of this alteration remains unclear.